The following is an entry in ClinVar:

ClinVar aggregate classification (germline): Uncertain significance. Review status: criteria provided, multiple submitters, no conflicts (2 of 4 stars). 2 submissions from 2 submitters: Uncertain significance (2). Last evaluated 2023-05-31.

Submissions (2):

GeneDx
Classification: Uncertain significance. Last evaluated: 2023-05-31. Review status: criteria provided, single submitter. Criteria: GeneDx Variant Classification Process June 2021. Collection method: clinical testing. Allele origin: germline. Affected: yes.
Comment: Not observed at significant frequency in large population cohorts (gnomAD); In silico analysis supports that this missense variant has a deleterious effect on protein structure/function; Has not been previously published as pathogenic or benign to our knowledge

Labcorp Genetics (formerly Invitae), Labcorp
Classification: Uncertain significance. Last evaluated: 2023-02-11. Review status: criteria provided, single submitter. Criteria: Invitae Variant Classification Sherloc (09022015). Collection method: clinical testing. Allele origin: germline.
Comment: Algorithms developed to predict the effect of missense changes on protein structure and function are either unavailable or do not agree on the potential impact of this missense change (SIFT: "Tolerated"; PolyPhen-2: "Probably Damaging"; Align-GVGD: "Class C0"). In summary, the available evidence is currently insufficient to determine the role of this variant in disease. Therefore, it has been classified as a Variant of Uncertain Significance. This variant has not been reported in the literature in individuals affected with CNOT1-related conditions. This variant is not present in population databases (gnomAD no frequency). This sequence change replaces glycine, which is neutral and non-polar, with cysteine, which is neutral and slightly polar, at codon 65 of the CNOT1 protein (p.Gly65Cys).

NM_016284.5(CNOT1):c.193G>T (p.Gly65Cys)

Gene: CNOT1 (CCR4-NOT transcription complex subunit 1; minus strand). Cytogenetic location: 16q21.
Variant type: single nucleotide variant.
Coding change: c.193G>T on transcript NM_016284.5 (MANE Select); coding-DNA position 193, G replaced by T.
Protein change: p.Gly65Cys; replaces glycine 65 with cysteine.
Molecular consequence: missense variant. On other transcripts: non-coding transcript variant (1).
Genome position (GRCh38, 1-based): chr16:58,588,816, C>A on the plus strand (G>T on the coding strand, the complement: CNOT1 is on the minus strand). VCF-style: chr16-58588816-C-A. GRCh37 (hg19) VCF-style: chr16-58622720-C-A.
Other names: c.193G>T, p.Gly65Cys (NM_001265612.2, NM_206999.3); c.193G>T (NM_001265612.1); short protein forms G65C.
Identifiers: ClinVar variation 2777463 (VCV002777463.4), dbSNP rs2544122261, ClinGen allele CA396157986.